The following is an entry in ClinVar:

ClinVar aggregate classification (germline): Uncertain significance (1 of 4 stars; one submission).

Conditions:
Ullrich congenital muscular dystrophy 2 (UCMD2). Identifiers: Orphanet 75840, MedGen C4225314, MONDO:0014654, OMIM 616470.
Bethlem myopathy 2 (BTHLM2). Identifiers: Orphanet 536516, Orphanet 610, MedGen C4225313, MONDO:0034022, OMIM 616471.

Allele frequency attached by ClinVar (database versions not stated): gnomAD exomes 0.00001.
gnomAD v4.1: 4 of 1,613,754 alleles (0.00025%); highest among the groups gnomAD compares: Non-Finnish European, 0.00025%; no homozygotes.

Submission:

Labcorp Genetics (formerly Invitae), Labcorp
Classification: Uncertain significance for Bethlem myopathy 2; Ullrich congenital muscular dystrophy 2. Last evaluated: 2019-05-30. Review status: criteria provided, single submitter. Criteria: Invitae Variant Classification Sherloc (09022015). Collection method: clinical testing. Allele origin: germline.
Comment: In summary, the available evidence is currently insufficient to determine the role of this variant in disease. Therefore, it has been classified as a Variant of Uncertain Significance. Algorithms developed to predict the effect of missense changes on protein structure and function (SIFT, PolyPhen-2, Align-GVGD) all suggest that this variant is likely to be disruptive, but these predictions have not been confirmed by published functional studies and their clinical significance is uncertain. This sequence change replaces glutamic acid with alanine at codon 2487 of the COL12A1 protein (p.Glu2487Ala). The glutamic acid residue is moderately conserved and there is a moderate physicochemical difference between glutamic acid and alanine. This variant is not present in population databases (ExAC no frequency). This variant has not been reported in the literature in individuals with COL12A1-related conditions.

NM_004370.6(COL12A1):c.7460A>C (p.Glu2487Ala)

Gene: COL12A1 (collagen type XII alpha 1 chain; minus strand). Cytogenetic location: 6q13.
Variant type: single nucleotide variant.
Coding change: c.7460A>C on transcript NM_004370.6 (MANE Select); coding-DNA position 7460, A replaced by C.
Protein change: p.Glu2487Ala; replaces glutamic acid 2487 with alanine.
Molecular consequence: missense variant.
Genome position (GRCh38, 1-based): chr6:75,117,441, T>G on the plus strand (A>C on the coding strand, the complement: COL12A1 is on the minus strand). VCF-style: chr6-75117441-T-G. GRCh37 (hg19) VCF-style: chr6-75827157-T-G.
Other names: c.3968A>C, p.Glu1323Ala (NM_080645.3); short protein forms E2487A, E1323A.
Identifiers: ClinVar variation 946148 (VCV000946148.10), dbSNP rs1769137471, ClinGen allele CA364746441.